The following is an entry in ClinVar:

NM_078629.4(MSL3):c.1214C>G (p.Thr405Ser)

Gene: MSL3 (MSL complex subunit 3; plus strand). Cytogenetic location: Xp22.2.
Variant type: single nucleotide variant.
Coding change: c.1214C>G on transcript NM_078629.4 (MANE Select); coding-DNA position 1214, C replaced by G.
Protein change: p.Thr405Ser; replaces threonine 405 with serine.
Molecular consequence: missense variant.
Genome position (GRCh38, 1-based): chrX:11,768,615, C>G. VCF-style: chrX-11768615-C-G. GRCh37 (hg19) VCF-style: chrX-11786734-C-G.
Other names: c.1178C>G, p.Thr393Ser (NM_001193270.2); c.767C>G, p.Thr256Ser (NM_001282174.1); c.716C>G, p.Thr239Ser (NM_006800.4); short protein forms T239S, T256S, T393S, T405S.
Identifiers: ClinVar variation 1693369 (VCV001693369.2), dbSNP rs1178945218, ClinGen allele CA412066613.

ClinVar aggregate classification (germline): Uncertain significance (1 of 4 stars; one submission).

Allele frequency attached by ClinVar (database versions not stated): gnomAD exomes below 0.00001 and 0.00001; gnomAD 0.00001.
gnomAD v4.1: 3 of 1,206,764 alleles (0.00025%); highest among the groups gnomAD compares: East Asian, 0.0089%; no homozygotes.

Submission:

GeneDx
Classification: Uncertain significance. Last evaluated: 2022-01-04. Review status: criteria provided, single submitter. Criteria: GeneDx Variant Classification Process June 2021. Collection method: clinical testing. Allele origin: germline. Affected: yes.
Comment: In silico analysis supports that this missense variant does not alter protein structure/function; Has not been previously published as pathogenic or benign to our knowledge